The following is an entry in ClinVar:

ClinVar aggregate classification (germline): Uncertain significance (1 of 4 stars; one submission).

Conditions:
Hereditary pancreatitis (PCTT). Also called: Hereditary chronic pancreatitis; PRSS1-Related Hereditary Pancreatitis. Identifiers: Orphanet 676, MedGen C0238339, MONDO:0008185, OMIM 167800.

Submission:

Ambry Genetics
Classification: Uncertain significance for Hereditary pancreatitis. Last evaluated: 2024-01-01. Review status: criteria provided, single submitter. Criteria: Ambry Variant Classification Scheme 2023. Collection method: clinical testing. Allele origin: germline.
Comment: The p.S124Y variant (also known as c.371C>A), located in coding exon 3 of the PRSS1 gene, results from a C to A substitution at nucleotide position 371. The serine at codon 124 is replaced by tyrosine, an amino acid with dissimilar properties. This amino acid position is conserved. In addition, the in silico prediction for this alteration is inconclusive. Since supporting evidence is limited at this time, the clinical significance of this alteration remains unclear.

NM_002769.5(PRSS1):c.371C>A (p.Ser124Tyr)

Genes: PRSS1 (serine protease 1; plus strand), TRB (T cell receptor beta locus; plus strand). Cytogenetic location: 7q34.
Variant type: single nucleotide variant.
Coding change: c.371C>A on transcript NM_002769.5 (MANE Select); coding-DNA position 371, C replaced by A.
Protein change: p.Ser124Tyr; replaces serine 124 with tyrosine.
Molecular consequence: missense variant. On other transcripts: non-coding transcript variant (5).
Genome position (GRCh38, 1-based): chr7:142,751,944, C>A. VCF-style: chr7-142751944-C-A. GRCh37 (hg19) VCF-style: chr7-142459795-C-A.
Other names: short protein forms S124Y.
Identifiers: ClinVar variation 3222803 (VCV003222803.1), dbSNP rs1484849588, ClinGen allele CA369608970.